The following is an entry in ClinVar:

ClinVar aggregate classification (germline): Uncertain significance (1 of 4 stars; one submission).

Conditions:
Arrhythmogenic right ventricular dysplasia 8 (ARVD8). Also called: Arrhythmogenic Right Ventricular Dysplasia/Cardiomyopathy 8; ARRHYTHMOGENIC RIGHT VENTRICULAR DYSPLASIA, FAMILIAL, 8; ARRHYTHMOGENIC RIGHT VENTRICULAR CARDIOMYOPATHY 8. Identifiers: MedGen C1843896, MONDO:0011831, OMIM 607450.
Arrhythmogenic cardiomyopathy with wooly hair and keratoderma. Also called: PALMOPLANTAR KERATODERMA WITH LEFT VENTRICULAR CARDIOMYOPATHY AND WOOLLY HAIR; Arrhythmogenic cardiomyopathy with woolly hair and keratoderma; Carvajal syndrome; Dilated cardiomyopathy with woolly hair and keratoderma. Identifiers: Orphanet 65282, MedGen C1854063, MONDO:0011581, OMIM 605676.

Submission:

Labcorp Genetics (formerly Invitae), Labcorp
Classification: Uncertain significance for Arrhythmogenic cardiomyopathy with wooly hair and keratoderma; Arrhythmogenic right ventricular dysplasia 8. Last evaluated: 2024-09-30. Review status: criteria provided, single submitter. Criteria: Invitae Variant Classification Sherloc (09022015). Collection method: clinical testing. Allele origin: germline.
Comment: This sequence change replaces alanine, which is neutral and non-polar, with aspartic acid, which is acidic and polar, at codon 1263 of the DSP protein (p.Ala1263Asp). This variant is not present in population databases (gnomAD no frequency). This variant has not been reported in the literature in individuals affected with DSP-related conditions. ClinVar contains an entry for this variant (Variation ID: 1486181). An algorithm developed to predict the effect of missense changes on protein structure and function (PolyPhen-2) suggests that this variant is likely to be tolerated. In summary, the available evidence is currently insufficient to determine the role of this variant in disease. Therefore, it has been classified as a Variant of Uncertain Significance.

NM_004415.4(DSP):c.3788C>A (p.Ala1263Asp)

Gene: DSP (desmoplakin; plus strand). Cytogenetic location: 6p24.3.
Variant type: single nucleotide variant.
Coding change: c.3788C>A on transcript NM_004415.4 (MANE Select); coding-DNA position 3788, C replaced by A.
Protein change: p.Ala1263Asp; replaces alanine 1263 with aspartic acid.
Molecular consequence: missense variant. On other transcripts: intron variant (1).
Genome position (GRCh38, 1-based): chr6:7,579,978, C>A. VCF-style: chr6-7579978-C-A. GRCh37 (hg19) VCF-style: chr6-7580211-C-A.
Other names: c.3788C>A, p.Ala1263Asp (NM_001319034.2); c.3582+206C>A (NM_001008844.3); short protein forms A1263D.
Identifiers: ClinVar variation 1486181 (VCV001486181.8), dbSNP rs1359308406, ClinGen allele CA362684858.